The following is an entry in ClinVar:

ClinVar aggregate classification (germline): Uncertain significance (1 of 4 stars; one submission).

Conditions:
Hereditary cancer-predisposing syndrome. Also called: Hereditary neoplastic syndrome; Neoplastic Syndromes, Hereditary; Tumor predisposition; Hereditary Cancer Syndrome. Identifiers: Orphanet 140162, MedGen C0027672, MeSH D009386, MONDO:0015356.

Submission:

Ambry Genetics
Classification: Uncertain significance for Hereditary cancer-predisposing syndrome. Last evaluated: 2025-06-30. Review status: criteria provided, single submitter. Criteria: Ambry Variant Classification Scheme 2023. Collection method: clinical testing. Allele origin: germline.
Comment: The p.D206H variant (also known as c.616G>C), located in coding exon 5 of the POT1 gene, results from a G to C substitution at nucleotide position 616. The aspartic acid at codon 206 is replaced by histidine, an amino acid with similar properties. This amino acid position is conserved. In addition, the in silico prediction for this alteration is inconclusive. Based on the available evidence, the clinical significance of this variant remains unclear.

NM_015450.3(POT1):c.616G>C (p.Asp206His)

Gene: POT1 (protection of telomeres 1; minus strand). Cytogenetic location: 7q31.33.
Variant type: single nucleotide variant.
Coding change: c.616G>C on transcript NM_015450.3 (MANE Select); coding-DNA position 616, G replaced by C.
Protein change: p.Asp206His; replaces aspartic acid 206 with histidine.
Molecular consequence: missense variant. On other transcripts: non-coding transcript variant (3).
Genome position (GRCh38, 1-based): chr7:124,859,043, C>G on the plus strand (G>C on the coding strand, the complement: POT1 is on the minus strand). VCF-style: chr7-124859043-C-G. GRCh37 (hg19) VCF-style: chr7-124499097-C-G.
Other names: c.223G>C, p.Asp75His (NM_001042594.2); short protein forms D206H, D75H.
Identifiers: ClinVar variation 4141926 (VCV004141926.1).